The following is an entry in ClinVar:

ClinVar aggregate classification (germline): Uncertain significance. Review status: criteria provided, multiple submitters, no conflicts (2 of 4 stars). 2 submissions from 2 submitters: Uncertain significance (2). Last evaluated 2023-12-07.

Allele frequency attached by ClinVar (database versions not stated): gnomAD exomes below 0.00001; 1000 Genomes Project 30x 0.00016; 1000 Genomes Project 0.00020.
gnomAD v4.1: 4 of 1,614,008 alleles (0.00025%); highest among the groups gnomAD compares: African/African-American, 0.0053%; no homozygotes.

Submissions (2):

Labcorp Genetics (formerly Invitae), Labcorp
Classification: Uncertain significance. Last evaluated: 2023-12-07. Review status: criteria provided, single submitter. Criteria: Invitae Variant Classification Sherloc (09022015). Collection method: clinical testing. Allele origin: germline.
Comment: This sequence change replaces aspartic acid, which is acidic and polar, with histidine, which is basic and polar, at codon 1366 of the RP1 protein (p.Asp1366His). This variant is present in population databases (rs201213548, gnomAD 0.007%). This variant has not been reported in the literature in individuals affected with RP1-related conditions. ClinVar contains an entry for this variant (Variation ID: 2117437). An algorithm developed to predict the effect of missense changes on protein structure and function (PolyPhen-2) suggests that this variant is likely to be disruptive. In summary, the available evidence is currently insufficient to determine the role of this variant in disease. Therefore, it has been classified as a Variant of Uncertain Significance.

Blueprint Genetics
Classification: Uncertain significance. Last evaluated: 2021-11-04. Review status: criteria provided, single submitter. Criteria: ACMG Guidelines, 2015. Collection method: clinical testing. Allele origin: germline.

NM_006269.2(RP1):c.4096G>C (p.Asp1366His)

Gene: RP1 (RP1 axonemal microtubule associated; plus strand). Cytogenetic location: 8q12.1.
Variant type: single nucleotide variant.
Coding change: c.4096G>C on transcript NM_006269.2 (MANE Select); coding-DNA position 4096, G replaced by C.
Protein change: p.Asp1366His; replaces aspartic acid 1366 with histidine.
Molecular consequence: missense variant. On other transcripts: intron variant (1).
Genome position (GRCh38, 1-based): chr8:54,627,978, G>C. VCF-style: chr8-54627978-G-C. GRCh37 (hg19) VCF-style: chr8-55540538-G-C.
Other names: c.787+5690G>C (NM_001375654.1); short protein forms D1366H.
Identifiers: ClinVar variation 2117437 (VCV002117437.5), dbSNP rs201213548, ClinGen allele CA177181219.